The following is an entry in ClinVar:

NM_004204.5(PIGQ):c.1382C>T (p.Pro461Leu)

Gene: PIGQ (phosphatidylinositol glycan anchor biosynthesis class Q; plus strand). Cytogenetic location: 16p13.3.
Variant type: single nucleotide variant.
Coding change: c.1382C>T on transcript NM_004204.5 (MANE Select); coding-DNA position 1382, C replaced by T.
Protein change: p.Pro461Leu; replaces proline 461 with leucine.
Molecular consequence: missense variant.
Genome position (GRCh38, 1-based): chr16:580,229, C>T. VCF-style: chr16-580229-C-T. GRCh37 (hg19) VCF-style: chr16-630229-C-T.
Other names: c.1382C>T, p.Pro461Leu (NM_148920.4); c.1382C>T (NM_148920.1); short protein forms P461L.
Identifiers: ClinVar variation 961957 (VCV000961957.8), dbSNP rs771351668, ClinGen allele CA7780258.
Genomic context (GRCh38, chr16:580,229, plus strand): 5'-GCCCCTCCCTACAGCTGTTCATCGGGACTCTGCTCTTCACCATCCTGCTCTTCCTCCTGC[C>T]TACCACAGCCCTGTACTACCTGGTGTTCACCCTGGTGAGCTGAGCACCCACAGGCTGGGC-3'
Protein context (NP_004195.2, residues 451-471): LLFTILLFLL[Pro461Leu]TTALYYLVFT

ClinVar aggregate classification (germline): Uncertain significance. Review status: criteria provided, multiple submitters, no conflicts (2 of 4 stars). 2 submissions from 2 submitters: Uncertain significance (2). Last evaluated 2022-12-13.

Conditions:
Epilepsy. Also called: Seizure disorder. Identifiers: MedGen C0014544, MeSH D004827, MONDO:0005027.
Inborn genetic diseases. Identifiers: MedGen C0950123, MeSH D030342.

Allele frequency attached by ClinVar (database versions not stated): ExAC 0.00001; TOPMed 0.00002; gnomAD exomes 0.00001; gnomAD 0.00003.
gnomAD v4.1: 13 of 1,612,864 alleles (0.00081%); highest among the groups gnomAD compares: Middle Eastern, 0.016%; no homozygotes.

Submissions (2):

Ambry Genetics
Classification: Uncertain significance for Inborn genetic diseases. Last evaluated: 2022-12-13. Review status: criteria provided, single submitter. Criteria: Ambry Variant Classification Scheme 2023. Collection method: clinical testing. Allele origin: germline.

Labcorp Genetics (formerly Invitae), Labcorp
Classification: Uncertain significance for Epilepsy. Last evaluated: 2022-07-19. Review status: criteria provided, single submitter. Criteria: Invitae Variant Classification Sherloc (09022015). Collection method: clinical testing. Allele origin: germline.
Comment: This sequence change replaces proline, which is neutral and non-polar, with leucine, which is neutral and non-polar, at codon 461 of the PIGQ protein (p.Pro461Leu). This variant is present in population databases (rs771351668, gnomAD 0.007%). This variant has not been reported in the literature in individuals affected with PIGQ-related conditions. ClinVar contains an entry for this variant (Variation ID: 961957). Algorithms developed to predict the effect of missense changes on protein structure and function (SIFT, PolyPhen-2, Align-GVGD) all suggest that this variant is likely to be disruptive. In summary, the available evidence is currently insufficient to determine the role of this variant in disease. Therefore, it has been classified as a Variant of Uncertain Significance.